The following is an entry in ClinVar:

NM_000551.4(VHL):c.138_160del (p.Glu46fs)

Gene: VHL (von Hippel-Lindau tumor suppressor; plus strand). Cytogenetic location: 3p25.3.
Variant type: Deletion.
Coding change: c.138_160del on transcript NM_000551.4 (MANE Select); coding-DNA positions 138 to 160, 23 bases deleted (GGAACTGGGCGCCGAGGAGGAGA).
Protein change: p.Glu46fs; shifts the reading frame from glutamic acid 46.
Molecular consequence: frameshift variant.
Genome position (GRCh38, 1-based): chr3:10,141,985-10,142,007, GGAACTGGGCGCCGAGGAGGAGA deleted; deleting any 23 consecutive bases within chr3:10,141,983-10,142,007 gives the same sequence; the c. name uses the placement nearest the transcript's 3' end. VCF-style (leftmost placement, unchanged base first): chr3-10141982-GGAGGAACTGGGCGCCGAGGAGGA-G. GRCh37 (hg19) VCF-style: chr3-10183666-GGAGGAACTGGGCGCCGAGGAGGA-G.
Other names: c.138_160del, p.Glu46fs (NM_001354723.2, NM_198156.3); c.138_160del23 (NM_000551.3); short protein forms E46fs.
Identifiers: ClinVar variation 953371 (VCV000953371.12), dbSNP rs1209079089, ClinGen allele CA896158519.

ClinVar aggregate classification (germline): Uncertain significance. Review status: criteria provided, multiple submitters, no conflicts (2 of 4 stars). 3 submissions from 3 submitters: Uncertain significance (3). Last evaluated 2024-02-29.

Conditions:
Von Hippel-Lindau syndrome (VHLS). Also called: von Hippel–Lindau syndrome; VHL syndrome; Von Hippel-Lindau. Identifiers: Orphanet 892, MedGen C0019562, MONDO:0008667, OMIM 193300. Disease mechanism: loss of function.
Chuvash polycythemia. Also called: POLYCYTHEMIA, VHL-DEPENDENT. Identifiers: Orphanet 238557, MedGen C1837915, MONDO:0009892, OMIM 263400.
Hereditary cancer-predisposing syndrome. Also called: Hereditary neoplastic syndrome; Tumor predisposition; Neoplastic Syndromes, Hereditary; Hereditary Cancer Syndrome. Identifiers: Orphanet 140162, MedGen C0027672, MeSH D009386, MONDO:0015356.

Submissions (3):

Ambry Genetics
Classification: Uncertain significance for Hereditary cancer-predisposing syndrome. Last evaluated: 2024-02-29. Review status: criteria provided, single submitter. Criteria: Ambry Variant Classification Scheme 2023. Collection method: clinical testing. Allele origin: germline.
Comment: The c.138_160del23 variant, located in coding exon 1 of the VHL gene, results from a deletion of 23 nucleotides at nucleotide positions 138 to 160, causing a translational frameshift with a predicted alternate stop codon (p.E46Dfs*78). Premature stop codons are typically deleterious in nature; however, an alternate initiation codon exists downstream of this alteration, and is reported to result in a biologically active isoform, known as VHL19 (Schoenfeld A et al. Proc. Natl. Acad. Sci. U.S.A. 1998 Jul; 95(15):8817-22; Iliopoulos O et al. Proc. Natl. Acad. Sci. U.S.A. 1998 Sep; 95(20):11661-6). Based on the available evidence, the clinical significance of this alteration remains unclear.

Labcorp Genetics (formerly Invitae), Labcorp
Classification: Uncertain significance for Von Hippel-Lindau syndrome; Chuvash polycythemia. Last evaluated: 2023-05-30. Review status: criteria provided, single submitter. Criteria: Invitae Variant Classification Sherloc (09022015). Collection method: clinical testing. Allele origin: germline.
Comment: Experimental studies and prediction algorithms are not available or were not evaluated, and the functional significance of this variant is currently unknown. ClinVar contains an entry for this variant (Variation ID: 953371). This variant has not been reported in the literature in individuals affected with VHL-related conditions. This variant is not present in population databases (gnomAD no frequency). This sequence change creates a premature translational stop signal (p.Glu46Aspfs*78) in the VHL gene. It is unclear whether it will result in an absent or disrupted protein product because an in-frame methionine located at codon 54 has the potential to rescue this variant. Several studies have shown that the VHL protein created from a downstream methionine located at codon 54 is biologically active, and exhibits properties similar to the full-length, wild-type protein (PMID: 9671762, 9751722). In summary, the available evidence is currently insufficient to determine the role of this variant in disease. Therefore, it has been classified as a Variant of Uncertain Significance.

All of Us Research Program, National Institutes of Health
Classification: Uncertain significance for Von Hippel-Lindau syndrome. Last evaluated: 2023-05-04. Review status: criteria provided, single submitter. Criteria: ACMG Guidelines, 2015. Collection method: clinical testing. Allele origin: germline. Inheritance: Autosomal dominant inheritance. Observed: 1 variant allele, 1 heterozygote.
Comment: This study involves interpretation of variants in research participants for the purpose of population health screening. Participant phenotype was not available at the time of variant classification. Additional details can be found in publication PMID: 35346344, PMCID: PMC8962531

Literature cited by the submitters: PubMed 9671762 (cited by Labcorp Genetics (formerly Invitae), Labcorp); PubMed 9751722 (cited by Labcorp Genetics (formerly Invitae), Labcorp).